The following is an entry in ClinVar:

ClinVar aggregate classification (germline): Benign/Likely benign. Review status: criteria provided, multiple submitters, no conflicts (2 of 4 stars). 4 submissions from 4 submitters: Benign (1); Likely benign (3). Last evaluated 2024-07-02.

Conditions:
Hereditary cancer-predisposing syndrome. Also called: Tumor predisposition; Neoplastic Syndromes, Hereditary; Hereditary Cancer Syndrome; Hereditary neoplastic syndrome. Identifiers: Orphanet 140162, MedGen C0027672, MeSH D009386, MONDO:0015356.
Familial cancer of breast. Also called: BREAST CANCER, FAMILIAL; hereditary breast carcinoma; Hereditary breast cancer. Identifiers: Orphanet 227535, MedGen C0346153, MONDO:0016419, OMIM 114480. Disease mechanism: loss of function.
Ataxia-telangiectasia syndrome (AT). Also called: Ataxia-telangiectasia; Ataxia-telangiectasia, complementation group D; AT, COMPLEMENTATION GROUP C; LOUIS-BAR SYNDROME; Cerebello-oculocutaneous telangiectasia; Immunodeficiency with ataxia telangiectasia. Identifiers: Orphanet 100, MedGen C0004135, MONDO:0008840, OMIM 208900.

Submissions (4):

Labcorp Genetics (formerly Invitae), Labcorp
Classification: Likely benign for Ataxia-telangiectasia syndrome. Last evaluated: 2024-07-02. Review status: criteria provided, single submitter. Criteria: Invitae Variant Classification Sherloc (09022015). Collection method: clinical testing. Allele origin: germline.

Myriad Genetics, Inc.
Classification: Benign for Familial cancer of breast. Last evaluated: 2024-05-20. Review status: criteria provided, single submitter. Criteria: Myriad Autosomal Dominant, Autosomal Recessive and X-Linked Classification Criteria (2023). Collection method: clinical testing. Allele origin: unknown.
Comment: This variant is considered benign. This variant is a silent/synonymous amino acid change and it is not expected to impact splicing.

Ambry Genetics
Classification: Likely benign for Hereditary cancer-predisposing syndrome. Last evaluated: 2019-04-29. Review status: criteria provided, single submitter. Criteria: Ambry Variant Classification Scheme 2023. Collection method: clinical testing. Allele origin: germline.

Color Diagnostics, LLC DBA Color Health
Classification: Likely benign for Hereditary cancer-predisposing syndrome. Last evaluated: 2015-08-03. Review status: criteria provided, single submitter. Criteria: ACMG Guidelines, 2015. Collection method: clinical testing. Allele origin: germline.

NM_000051.4(ATM):c.4551T>C (p.Leu1517=)

Gene: ATM (ATM serine/threonine kinase; plus strand). Cytogenetic location: 11q22.3.
Variant type: single nucleotide variant.
Coding change: c.4551T>C on transcript NM_000051.4 (MANE Select); coding-DNA position 4551, T replaced by C.
Protein change: p.Leu1517=; no amino-acid change (leucine 1517 retained).
Molecular consequence: synonymous variant.
Genome position (GRCh38, 1-based): chr11:108,292,733, T>C. VCF-style: chr11-108292733-T-C. GRCh37 (hg19) VCF-style: chr11-108163460-T-C.
Other names: c.4551T>C, p.Leu1517= (NM_001351834.2).
Identifiers: ClinVar variation 490575 (VCV000490575.17), dbSNP rs1459998980, ClinGen allele CA476674210.